The following is an entry in ClinVar:

NM_005859.5(PURA):c.62del (p.Leu21fs)

Gene: PURA (purine rich element binding protein A; plus strand). Cytogenetic location: 5q31.3.
Variant type: Deletion.
Coding change: c.62del on transcript NM_005859.5 (MANE Select); coding-DNA position 62, one base deleted (T; older notation c.62delT).
Protein change: p.Leu21fs; shifts the reading frame from leucine 21.
Molecular consequence: frameshift variant.
Genome position (GRCh38, 1-based): chr5:140,114,243, T deleted. VCF-style (leftmost placement, unchanged base first): chr5-140114242-CT-C. GRCh37 (hg19) VCF-style: chr5-139493827-CT-C.
Other names: short protein forms L21fs.
Identifiers: ClinVar variation 1805833 (VCV001805833.1), dbSNP rs2479503825, ClinGen allele CA1139532823.

ClinVar aggregate classification (germline): Pathogenic (1 of 4 stars; one submission).

Conditions:
PURA-related severe neonatal hypotonia-seizures-encephalopathy syndrome due to a point mutation. Identifiers: Orphanet 438216, MedGen CN924912, MONDO:0014512.

Submission:

Victorian Clinical Genetics Services, Murdoch Childrens Research Institute
Classification: Pathogenic for PURA-related severe neonatal hypotonia-seizures-encephalopathy syndrome due to a point mutation. Last evaluated: 2022-02-02. Review status: criteria provided, single submitter. Criteria: ACMG Guidelines, 2015. Collection method: clinical testing. Allele origin: germline. Inheritance: Autosomal dominant inheritance. Affected: yes.
Comment: Based on the classification scheme VCGS_Germline_v1.3.4, this variant is classified as Pathogenic. Following criteria are met: 0102 - Loss of function is likely a mechanism of disease in this gene and is associated with PURA-related neurodevelopmental disorders (MIM#616158; GeneReviews). (I) 0107 - This gene is associated with autosomal dominant disease. (I) 0204 - Variant is predicted to result in a truncated protein (premature termination codon is NOT located at least 54 nucleotides upstream of the final exon-exon junction) with at least 1/3 of the protein sequence affected. (SP) 0251 - This variant is heterozygous. (I) 0301 - Variant is absent from gnomAD (both v2 and v3). (SP) 0701 – Other protein truncating variant located downstream and comparable to the one identified in this case have very strong previous evidence for pathogenicity (DECIPHER, ClinVar). (SP) 0807 - This variant has no previous evidence of pathogenicity. (I) 0905 - No published segregation evidence has been identified for this variant. (I) 1007 - No published functional evidence has been identified for this variant. (I) 1208 - Inheritance information for this variant is not currently available in this individual. (I) Legend: (SP) - Supporting pathogenic, (I) - Information, (SB) - Supporting benign